The following is an entry in ClinVar:

ClinVar aggregate classification (germline): Likely pathogenic. Review status: criteria provided, single submitter (1 of 4 stars). 2 submissions from 2 submitters: Likely pathogenic (1). 1 of the submissions does not count toward it. Last evaluated 2020-02-14.

Conditions:
Retinal degeneration. Identifiers: MedGen C0035304, MeSH D012162, MONDO:0004580, HP:0000546.
Hypotaurinemic retinal degeneration and cardiomyopathy. Also called: Hypertaurinuric cardiomyopathy. Identifiers: MedGen C5542181, MONDO:0007777, OMIM 145350.

Allele frequency attached by ClinVar (database versions not stated): gnomAD exomes below 0.00001.
gnomAD v4.1: 1 of 1,604,492 alleles (0.000062%); highest among the groups gnomAD compares: South Asian, 0.0011%; no homozygotes.

Submissions (2):

SIB Swiss Institute of Bioinformatics
Classification: Likely pathogenic for Retinal degeneration. Last evaluated: 2020-02-14. Review status: criteria provided, single submitter. Criteria: ACMG Guidelines, 2015. Collection method: curation. Allele origin: unknown.
Comment: This variant is interpreted as a likely pathogenic for retinal degeneration and cardiomyopathy, autosomal recessive. The following ACMG Tag(s) were applied: PM2, PP1, PP3, PP2, PS3.

OMIM
Classification: Pathogenic for HYPOTAURINEMIC RETINAL DEGENERATION AND CARDIOMYOPATHY. Last evaluated: 2021-05-24. Review status: no assertion criteria provided. Collection method: literature only. Allele origin: germline. Not counted in ClinVar's aggregate classification.

Literature cited by the submitters: PubMed 31903486 (cited by SIB Swiss Institute of Bioinformatics and OMIM).

NM_003043.6(SLC6A6):c.1196G>T (p.Gly399Val)

Gene: SLC6A6 (solute carrier family 6 member 6; plus strand). Cytogenetic location: 3p25.1.
Variant type: single nucleotide variant.
Coding change: c.1196G>T on transcript NM_003043.6 (MANE Select); coding-DNA position 1196, G replaced by T.
Protein change: p.Gly399Val; replaces glycine 399 with valine.
Molecular consequence: missense variant. On other transcripts: non-coding transcript variant (1).
Genome position (GRCh38, 1-based): chr3:14,472,304, G>T. VCF-style: chr3-14472304-G-T. GRCh37 (hg19) VCF-style: chr3-14513812-G-T.
Other names: c.1499G>T, p.Gly500Val (NM_001134367.3); short protein forms G500V, G399V.
Identifiers: ClinVar variation 870334 (VCV000870334.2), dbSNP rs1700769766, ClinGen allele CA351546956.
Genomic context (GRCh38, chr3:14,472,304, plus strand): 5'-CAATGATGCCGCTGCCCACATTTTGGTCCATTCTTTTTTTTATTATGCTTCTCTTGCTTG[G>T]ACTGGATAGCCAGGTGCGTATAAGGGATGGCCCTGGGGCGACTGCCCCTGTGGGGAACCT-3'
Protein context (NP_003034.2, residues 389-409): ILFFIMLLLL[Gly399Val]LDSQFVEVEG